The following is an entry in ClinVar:

NM_001042517.2(DIAPH3):c.1217G>A (p.Arg406His)

Gene: DIAPH3 (diaphanous related formin 3; minus strand). Cytogenetic location: 13q21.2.
Variant type: single nucleotide variant.
Coding change: c.1217G>A on transcript NM_001042517.2 (MANE Select); coding-DNA position 1217, G replaced by A.
Protein change: p.Arg406His; replaces arginine 406 with histidine.
Molecular consequence: missense variant.
Genome position (GRCh38, 1-based): chr13:59,992,095, C>T on the plus strand (G>A on the coding strand, the complement: DIAPH3 is on the minus strand). VCF-style: chr13-59992095-C-T. GRCh37 (hg19) VCF-style: chr13-60566229-C-T.
Other names: c.1184G>A, p.Arg395His (NM_001258366.2); c.1079G>A, p.Arg360His (NM_001258367.2); c.1007G>A, p.Arg336His (NM_001258368.2); c.1217G>A, p.Arg406His (NM_001258369.2); c.428G>A, p.Arg143His (NM_001258370.2, NM_030932.4); short protein forms R360H, R406H, R143H, R336H, R395H.
Identifiers: ClinVar variation 2160572 (VCV002160572.5), dbSNP rs374035547, ClinGen allele CA6996767.
Genomic context (GRCh38, chr13:59,992,095, plus strand): 5'-ATGATTTGACTAGACTTCAGAACAAAAGGATATTCAAGTTCAGCTCTAATATCTTCAAGG[C>T]GATGGGATAACTCAAACAAATCTTCTTCTTTATGCTCATCAAAGACTTTAAGTTGGATAT-3'
Protein context (NP_001035982.1, residues 396-416): KEEDLFELSH[Arg406His]LEDIRAELDE

ClinVar aggregate classification (germline): Uncertain significance. Review status: criteria provided, multiple submitters, no conflicts (2 of 4 stars). 2 submissions from 2 submitters: Uncertain significance (2). Last evaluated 2024-07-12.

Allele frequency attached by ClinVar (database versions not stated): TOPMed below 0.00001; ExAC 0.00001; gnomAD exomes 0.00001; gnomAD 0.00003; ESP Exome Variant Server 0.00009.
gnomAD v4.1: 7 of 1,611,640 alleles (0.00043%); highest among the groups gnomAD compares: South Asian, 0.0033%; no homozygotes.

Submissions (2):

Women's Health and Genetics/Laboratory Corporation of America, LabCorp
Classification: Uncertain significance. Last evaluated: 2024-07-12. Review status: criteria provided, single submitter. Criteria: LabCorp Variant Classification Summary - May 2015. Collection method: clinical testing. Allele origin: germline.
Comment: Variant summary: DIAPH3 c.1217G>A (p.Arg406His) results in a non-conservative amino acid change located in the Formin, FH3 domain (IPR010472) of the encoded protein sequence. Four of five in-silico tools predict a damaging effect of the variant on protein function. The variant allele was found at a frequency of 4e-06 in 248740 control chromosomes. The available data on variant occurrences in the general population are insufficient to allow any conclusion about variant significance. To our knowledge, no occurrence of c.1217G>A in individuals affected with Autosomal Dominant Auditory Neuropathy 1 and no experimental evidence demonstrating its impact on protein function have been reported. ClinVar contains an entry for this variant (Variation ID: 2160572). Based on the evidence outlined above, the variant was classified as uncertain significance.

Labcorp Genetics (formerly Invitae), Labcorp
Classification: Uncertain significance. Last evaluated: 2023-12-17. Review status: criteria provided, single submitter. Criteria: Invitae Variant Classification Sherloc (09022015). Collection method: clinical testing. Allele origin: germline.
Comment: This sequence change replaces arginine, which is basic and polar, with histidine, which is basic and polar, at codon 406 of the DIAPH3 protein (p.Arg406His). This variant is present in population databases (rs374035547, gnomAD 0.0009%). This variant has not been reported in the literature in individuals affected with DIAPH3-related conditions. ClinVar contains an entry for this variant (Variation ID: 2160572). An algorithm developed to predict the effect of missense changes on protein structure and function (PolyPhen-2) suggests that this variant is likely to be disruptive. In summary, the available evidence is currently insufficient to determine the role of this variant in disease. Therefore, it has been classified as a Variant of Uncertain Significance.